The following is an entry in ClinVar:

ClinVar aggregate classification (germline): Uncertain significance (1 of 4 stars; one submission).

Submission:

GeneDx
Classification: Uncertain significance. Last evaluated: 2017-09-19. Review status: criteria provided, single submitter. Criteria: GeneDx Variant Classification (06012015). Collection method: clinical testing. Allele origin: germline. Affected: yes.
Comment: A variant of uncertain significance has been identified in the MTOR gene. The I906T variant has not been published as a pathogenic variant, nor has it been reported as a benign variant to our knowledge. The I906T variant is not observed in large population cohorts (Lek et al., 2016; 1000 Genomes Consortium et al., 2015; Exome Variant Server). The I906T variant is a non-conservative amino acid substitution, which is likely to impact secondary protein structure as these residues differ in polarity, charge, size and/or other properties. This substitution occurs at a position that is conserved across species, and in silico analysis predicts this variant is probably damaging to the protein structure/function. Based on the currently available information, it is unclear whether this variant is a pathogenic variant or a rare benign variant.

NM_004958.4(MTOR):c.2717T>C (p.Ile906Thr)

Gene: MTOR (mechanistic target of rapamycin kinase; minus strand). Cytogenetic location: 1p36.22.
Variant type: single nucleotide variant.
Coding change: c.2717T>C on transcript NM_004958.4 (MANE Select); coding-DNA position 2717, T replaced by C.
Protein change: p.Ile906Thr; replaces isoleucine 906 with threonine.
Molecular consequence: missense variant.
Genome position (GRCh38, 1-based): chr1:11,230,987, A>G on the plus strand (T>C on the coding strand, the complement: MTOR is on the minus strand). VCF-style: chr1-11230987-A-G. GRCh37 (hg19) VCF-style: chr1-11291044-A-G.
Other names: c.2717T>C (LRG_734t1); short protein forms I906T.
Identifiers: ClinVar variation 452033 (VCV000452033.2), dbSNP rs1553124411, ClinGen allele CA338380961.
Genomic context (GRCh38, chr1:11,230,987, plus strand): 5'-GAATCCTGACTTGACTTGGATTCTGACAGGCTGACAGCAGAGGCATCCCGGGACTGGTCT[A>G]TCATGCCAATGTTCACTTTGTGCTTGTAAGGATCCAAAGCCCCTAAAAGCCCTAACACAC-3'
Protein context (NP_004949.1, residues 896-916): PYKHKVNIGM[Ile906Thr]DQSRDASAVS